The following is an entry in ClinVar:

NM_016222.4(DDX41):c.1043G>T (p.Arg348Leu)

Gene: DDX41 (DEAD-box helicase 41; minus strand). Cytogenetic location: 5q35.3.
Variant type: single nucleotide variant.
Coding change: c.1043G>T on transcript NM_016222.4 (MANE Select); coding-DNA position 1043, G replaced by T.
Protein change: p.Arg348Leu; replaces arginine 348 with leucine.
Molecular consequence: missense variant.
Genome position (GRCh38, 1-based): chr5:177,513,740, C>A on the plus strand (G>T on the coding strand, the complement: DDX41 is on the minus strand). VCF-style: chr5-177513740-C-A. GRCh37 (hg19) VCF-style: chr5-176940741-C-A.
Other names: c.665G>T, p.Arg222Leu (NM_001321732.2, NM_001321830.2); short protein forms R222L, R348L.
Identifiers: ClinVar variation 3839064 (VCV003839064.1).

ClinVar aggregate classification (germline): Uncertain significance (1 of 4 stars; one submission).

Conditions:
Inborn genetic diseases. Identifiers: MedGen C0950123, MeSH D030342.

gnomAD v4.1: 1 of 1,613,810 alleles (0.000062%); highest among the groups gnomAD compares: East Asian, 0.0022%; no homozygotes.

Submission:

Ambry Genetics
Classification: Uncertain significance for Inborn genetic diseases. Last evaluated: 2025-03-06. Review status: criteria provided, single submitter. Criteria: Ambry Variant Classification Scheme 2023. Collection method: clinical testing. Allele origin: germline.
Comment: The p.R348L variant (also known as c.1043G>T), located in coding exon 10 of the DDX41 gene, results from a G to T substitution at nucleotide position 1043. The arginine at codon 348 is replaced by leucine, an amino acid with dissimilar properties. This amino acid position is conserved. In addition, this alteration is predicted to be deleterious by in silico analysis. Based on the available evidence, the clinical significance of this variant remains unclear.